The following is an entry in ClinVar:

NM_001130438.3(SPTAN1):c.5991C>T (p.Ile1997=)

Gene: SPTAN1 (spectrin alpha, non-erythrocytic 1; plus strand). Cytogenetic location: 9q34.11.
Variant type: single nucleotide variant.
Coding change: c.5991C>T on transcript NM_001130438.3 (MANE Select); coding-DNA position 5991, C replaced by T.
Protein change: p.Ile1997=; no amino-acid change (isoleucine 1997 retained).
Molecular consequence: synonymous variant.
Genome position (GRCh38, 1-based): chr9:128,624,486, C>T. VCF-style: chr9-128624486-C-T. GRCh37 (hg19) VCF-style: chr9-131386765-C-T.
Other names: c.5916C>T, p.Ile1972= (NM_001195532.2); c.5991C>T, p.Ile1997= (NM_001363759.2, NM_001375310.1, NM_001375311.2 and 1 more transcripts); c.5931C>T, p.Ile1977= (NM_001363765.2, NM_001375314.2); c.6027C>T, p.Ile2009= (NM_001375312.2, NM_001375318.1); c.5976C>T, p.Ile1992= (NM_003127.4).
Identifiers: ClinVar variation 2153384 (VCV002153384.4), dbSNP rs1425115743, ClinGen allele CA467304221.

ClinVar aggregate classification (germline): Uncertain significance (1 of 4 stars; one submission).

Conditions:
Early-infantile DEE. Also called: Early infantile epileptic encephalopathy; Early infantile epileptic encephalopathy with suppression bursts; Ohtahara syndrome. Identifiers: Orphanet 1934, MedGen C0393706, MONDO:0800491.

Allele frequency attached by ClinVar (database versions not stated): gnomAD exomes below 0.00001; TOPMed below 0.00001; gnomAD 0.00001.
gnomAD v4.1: 5 of 1,612,730 alleles (0.00031%); highest among the groups gnomAD compares: Non-Finnish European, 0.00042%; no homozygotes.

Submission:

Labcorp Genetics (formerly Invitae), Labcorp
Classification: Uncertain significance for Early-infantile DEE. Last evaluated: 2025-12-03. Review status: criteria provided, single submitter. Criteria: Invitae Variant Classification Sherloc (09022015). Collection method: clinical testing. Allele origin: germline.
Comment: This sequence change affects codon 1997 of the SPTAN1 mRNA. It is a 'silent' change, meaning that it does not change the encoded amino acid sequence of the SPTAN1 protein. It affects a nucleotide within the consensus splice site. This variant is not present in population databases (gnomAD no frequency). This variant has not been reported in the literature in individuals affected with SPTAN1-related conditions. ClinVar contains an entry for this variant (Variation ID: 2153384). Algorithms developed to predict the effect of sequence changes on RNA splicing suggest that this variant is not likely to affect RNA splicing. In summary, the available evidence is currently insufficient to determine the role of this variant in disease. Therefore, it has been classified as a Variant of Uncertain Significance.